The following is an entry in ClinVar:

NM_005120.3(MED12):c.4448C>T (p.Ser1483Leu)

Gene: MED12 (mediator complex subunit 12; plus strand). Cytogenetic location: Xq13.1.
Variant type: single nucleotide variant.
Coding change: c.4448C>T on transcript NM_005120.3 (MANE Select); coding-DNA position 4448, C replaced by T.
Protein change: p.Ser1483Leu; replaces serine 1483 with leucine.
Molecular consequence: missense variant.
Genome position (GRCh38, 1-based): chrX:71,132,877, C>T. VCF-style: chrX-71132877-C-T. GRCh37 (hg19) VCF-style: chrX-70352727-C-T.
Other names: c.4448C>T (NM_005120.2); short protein forms S1483L.
Identifiers: ClinVar variation 3233403 (VCV003233403.17), dbSNP rs1488661030, ClinGen allele CA413527652.

ClinVar aggregate classification (germline): Uncertain significance. Review status: criteria provided, multiple submitters, no conflicts (2 of 4 stars). 3 submissions from 3 submitters: Uncertain significance (3). Last evaluated 2024-09-01.

Conditions:
FG syndrome 1 (OKS). Also called: OPITZ-KAVEGGIA SYNDROME; KELLER SYNDROME; MENTAL RETARDATION, LARGE HEAD, IMPERFORATE ANUS, CONGENITAL HYPOTONIA, AND PARTIAL AGENESIS OF CORPUS CALLOSUM; FG Syndrome Type 1 (FGS1). Identifiers: Orphanet 93932, MedGen C5399762, MONDO:0010590, OMIM 305450.
Familial thoracic aortic aneurysm and aortic dissection (TAAD). Also called: Thoracic aortic aneurysms and dissections. Identifiers: Orphanet 91387, MedGen C4707243, MONDO:0019625.

Allele frequency attached by ClinVar (database versions not stated): gnomAD exomes below 0.00001; gnomAD 0.00001.
gnomAD v4.1: 3 of 1,184,224 alleles (0.00025%); highest among the groups gnomAD compares: African/African-American, 0.0018%; no homozygotes.

Submissions (3):

CeGaT Center for Human Genetics Tuebingen
Classification: Uncertain significance. Last evaluated: 2024-09-01. Review status: criteria provided, single submitter. Criteria: CeGaT Center For Human Genetics Tuebingen Variant Classification Criteria Version 2. Collection method: clinical testing. Allele origin: germline. Affected: yes. Observed: 1 variant allele.
Comment: MED12: PP2

Daryl Scott Lab, Baylor College of Medicine
Classification: Uncertain significance for FG syndrome 1. Last evaluated: 2024-04-26. Review status: criteria provided, single submitter. Criteria: ACMG Guidelines, 2015. Collection method: clinical testing. Allele origin: maternal. Affected: yes. Observed: 1 heterozygote.

Ambry Genetics
Classification: Uncertain significance for Familial thoracic aortic aneurysm and aortic dissection. Last evaluated: 2024-03-30. Review status: criteria provided, single submitter. Criteria: Ambry Variant Classification Scheme 2023. Collection method: clinical testing. Allele origin: germline.